The following is an entry in ClinVar:

NM_020975.6(RET):c.2952G>A (p.Met984Ile)

Gene: RET (ret proto-oncogene; plus strand). Cytogenetic location: 10q11.21.
Variant type: single nucleotide variant.
Coding change: c.2952G>A on transcript NM_020975.6 (MANE Select); coding-DNA position 2952, G replaced by A.
Protein change: p.Met984Ile; replaces methionine 984 with isoleucine.
Molecular consequence: missense variant.
Genome position (GRCh38, 1-based): chr10:43,124,895, G>A. VCF-style: chr10-43124895-G-A. GRCh37 (hg19) VCF-style: chr10-43620343-G-A.
Other names: c.2952G>A, p.Met984Ile (NM_000323.2, NM_001406743.1, NM_001406744.1 and 4 more transcripts); c.2190G>A, p.Met730Ile (NM_001355216.2); c.2823G>A, p.Met941Ile (NM_001406761.1, NM_001406762.1, NM_001406764.1); c.2817G>A, p.Met939Ile (NM_001406763.1, NM_001406765.1); c.2664G>A, p.Met888Ile (NM_001406766.1, NM_001406767.1, NM_001406770.1); c.2688G>A, p.Met896Ile (NM_001406768.1); c.2556G>A, p.Met852Ile (NM_001406769.1, NM_001406772.1); c.2514G>A, p.Met838Ile (NM_001406771.1, NM_001406773.1); and 10 more; short protein forms M501I, M742I, M809I, M838I, M888I, M941I, M589I, M642I.
Identifiers: ClinVar variation 1798073 (VCV001798073.7), dbSNP rs2538625990, ClinGen allele CA376558047.
Genomic context (GRCh38, chr10:43,124,895, plus strand): 5'-GACCTGGCCCTGCTTGGATCATATTGGCCTGTCTGCTCTTCCCACCAGGTACCGCCTGAT[G>A]CTGCAATGCTGGAAGCAGGAGCCGGACAAAAGGCCGGTGTTTGCGGACATCAGCAAAGAC-3'
Protein context (NP_066124.1, residues 974-994): DNCSEEMYRL[Met984Ile]LQCWKQEPDK

ClinVar aggregate classification (germline): Uncertain significance. Review status: criteria provided, multiple submitters, no conflicts (2 of 4 stars). 4 submissions from 4 submitters: Uncertain significance (4). Last evaluated 2025-11-10.

Conditions:
Hereditary cancer-predisposing syndrome. Also called: Neoplastic Syndromes, Hereditary; Tumor predisposition; Hereditary Cancer Syndrome; Hereditary neoplastic syndrome. Identifiers: Orphanet 140162, MedGen C0027672, MeSH D009386, MONDO:0015356.
Multiple endocrine neoplasia, type 2 (MEN2). Identifiers: Orphanet 653, MedGen C4048306, MONDO:0019003. Disease mechanism: gain of function.
Hirschsprung disease, susceptibility to, 1 (HSCR1). Also called: RET-Related Hirschsprung Disease. Identifiers: Orphanet 388, MedGen C3888239, MONDO:0007723, OMIM 142623.

Allele frequency attached by ClinVar (database versions not stated): gnomAD exomes below 0.00001.
gnomAD v4.1: 1 of 1,614,134 alleles (0.000062%); highest among the groups gnomAD compares: Non-Finnish European, 0.000085%; no homozygotes.

Submissions (4):

Labcorp Genetics (formerly Invitae), Labcorp
Classification: Uncertain significance for Multiple endocrine neoplasia, type 2. Last evaluated: 2025-11-10. Review status: criteria provided, single submitter. Criteria: Invitae Variant Classification Sherloc (09022015). Collection method: clinical testing. Allele origin: germline.
Comment: This sequence change replaces methionine, which is neutral and non-polar, with isoleucine, which is neutral and non-polar, at codon 984 of the RET protein (p.Met984Ile). This variant is not present in population databases (gnomAD no frequency). This variant has not been reported in the literature in individuals affected with RET-related conditions. ClinVar contains an entry for this variant (Variation ID: 1798073). An algorithm developed to predict the effect of missense changes on protein structure and function (PolyPhen-2) suggests that this variant is likely to be disruptive. In summary, the available evidence is currently insufficient to determine the role of this variant in disease. Therefore, it has been classified as a Variant of Uncertain Significance.

Ambry Genetics
Classification: Uncertain significance for Hereditary cancer-predisposing syndrome. Last evaluated: 2024-07-29. Review status: criteria provided, single submitter. Criteria: Ambry Variant Classification Scheme 2023. Collection method: clinical testing. Allele origin: germline.
Comment: The p.M984I variant (also known as c.2952G>A), located in coding exon 18 of the RET gene, results from a G to A substitution at nucleotide position 2952. The methionine at codon 984 is replaced by isoleucine, an amino acid with highly similar properties. This amino acid position is highly conserved in available vertebrate species. In addition, this alteration is predicted to be deleterious by in silico analysis. Since supporting evidence is limited at this time, the clinical significance of this alteration remains unclear.

Baylor Genetics
Classification: Uncertain significance for Hirschsprung disease, susceptibility to, 1. Last evaluated: 2024-01-31. Review status: criteria provided, single submitter. Criteria: ACMG Guidelines, 2015. Collection method: clinical testing. Allele origin: unknown.

Color Diagnostics, LLC DBA Color Health
Classification: Uncertain significance for Multiple endocrine neoplasia, type 2. Last evaluated: 2023-10-25. Review status: criteria provided, single submitter. Criteria: ACMG Guidelines, 2015. Collection method: clinical testing. Allele origin: germline.
Comment: This missense variant replaces methionine with isoleucine at codon 984 of the RET protein. Computational prediction suggests that this variant may have deleterious impact on protein structure and function. To our knowledge, functional studies have not been reported for this variant. This variant has not been reported in individuals affected with RET-related disorders in the literature. This variant has not been identified in the general population by the Genome Aggregation Database (gnomAD). The available evidence is insufficient to determine the role of this variant in disease conclusively. Therefore, this variant is classified as a Variant of Uncertain Significance.